The following is an entry in ClinVar:

NM_025144.4(ALPK1):c.1772C>T (p.Ser591Phe)

Gene: ALPK1 (alpha kinase 1; plus strand). Cytogenetic location: 4q25.
Variant type: single nucleotide variant.
Coding change: c.1772C>T on transcript NM_025144.4 (MANE Select); coding-DNA position 1772, C replaced by T.
Protein change: p.Ser591Phe; replaces serine 591 with phenylalanine.
Molecular consequence: missense variant.
Genome position (GRCh38, 1-based): chr4:112,431,319, C>T. VCF-style: chr4-112431319-C-T. GRCh37 (hg19) VCF-style: chr4-113352475-C-T.
Other names: c.1772C>T, p.Ser591Phe (NM_001102406.2); c.1538C>T, p.Ser513Phe (NM_001253884.2); short protein forms S591F, S513F.
Identifiers: ClinVar variation 2787108 (VCV002787108.3), dbSNP rs2476504302, ClinGen allele CA357896082.
Genomic context (GRCh38, chr4:112,431,319, plus strand): 5'-ACAAGTCTCTGAGTGGCAGCCAGACTTCCAGTGCTTGGAGCAACTTATCAGGGTTTAGTT[C>T]CTCTGCAAGCTGGGAGGAAGTGAATTATCACGTTGACGACAGGTCAGCCAGAAAAGAGCC-3'
Protein context (NP_079420.3, residues 581-601): SAWSNLSGFS[Ser591Phe]SASWEEVNYH

ClinVar aggregate classification (germline): Uncertain significance (1 of 4 stars; one submission).

Allele frequency attached by ClinVar (database versions not stated): gnomAD exomes below 0.00001.
gnomAD v4.1: 1 of 1,614,166 alleles (0.000062%); highest among the groups gnomAD compares: Non-Finnish European, 0.000085%; no homozygotes.

Submission:

Labcorp Genetics (formerly Invitae), Labcorp
Classification: Uncertain significance. Last evaluated: 2023-04-17. Review status: criteria provided, single submitter. Criteria: Invitae Variant Classification Sherloc (09022015). Collection method: clinical testing. Allele origin: germline.
Comment: Advanced modeling of protein sequence and biophysical properties (such as structural, functional, and spatial information, amino acid conservation, physicochemical variation, residue mobility, and thermodynamic stability) performed at Invitae indicates that this missense variant is not expected to disrupt ALPK1 protein function. In summary, the available evidence is currently insufficient to determine the role of this variant in disease. Therefore, it has been classified as a Variant of Uncertain Significance. This variant has not been reported in the literature in individuals affected with ALPK1-related conditions. This variant is not present in population databases (gnomAD no frequency). This sequence change replaces serine, which is neutral and polar, with phenylalanine, which is neutral and non-polar, at codon 591 of the ALPK1 protein (p.Ser591Phe).